The following is an entry in ClinVar:

ClinVar aggregate classification (germline): Uncertain significance. Review status: criteria provided, multiple submitters, no conflicts (2 of 4 stars). 2 submissions from 2 submitters: Uncertain significance (2). Last evaluated 2023-12-17.

Conditions:
Lethal congenital glycogen storage disease of heart. Also called: PHOSPHORYLASE KINASE DEFICIENCY OF HEART; GLYCOGEN STORAGE DISEASE OF HEART. Identifiers: Orphanet 439854, MedGen C1849813, MONDO:0009867, OMIM 261740.

Submissions (2):

GeneDx
Classification: Uncertain significance. Last evaluated: 2023-12-17. Review status: criteria provided, single submitter. Criteria: GeneDx Variant Classification Process June 2021. Collection method: clinical testing. Allele origin: germline. Affected: yes.
Comment: Not observed at significant frequency in large population cohorts (gnomAD); In silico analysis supports that this missense variant has a deleterious effect on protein structure/function; This variant is associated with the following publications: (PMID: 30206291)

Labcorp Genetics (formerly Invitae), Labcorp
Classification: Uncertain significance for Lethal congenital glycogen storage disease of heart. Last evaluated: 2023-08-31. Review status: criteria provided, single submitter. Criteria: Invitae Variant Classification Sherloc (09022015). Collection method: clinical testing. Allele origin: germline.
Comment: In summary, the available evidence is currently insufficient to determine the role of this variant in disease. Therefore, it has been classified as a Variant of Uncertain Significance. ClinVar contains an entry for this variant (Variation ID: 665151). Advanced modeling of protein sequence and biophysical properties (such as structural, functional, and spatial information, amino acid conservation, physicochemical variation, residue mobility, and thermodynamic stability) has been performed at Invitae for this missense variant, however the output from this modeling did not meet the statistical confidence thresholds required to predict the impact of this variant on PRKAG2 protein function. This missense change has been observed in individual(s) with hypertrophic cardiomyopathy (PMID: 30206291; Invitae). This variant is not present in population databases (gnomAD no frequency). This sequence change replaces histidine, which is basic and polar, with tyrosine, which is neutral and polar, at codon 500 of the PRKAG2 protein (p.His500Tyr).

Literature cited by the submitters: PubMed 30206291 (cited by Labcorp Genetics (formerly Invitae), Labcorp).

NM_016203.4(PRKAG2):c.1498C>T (p.His500Tyr)

Gene: PRKAG2 (protein kinase AMP-activated non-catalytic subunit gamma 2; minus strand). Cytogenetic location: 7q36.1.
Variant type: single nucleotide variant.
Coding change: c.1498C>T on transcript NM_016203.4 (MANE Select); coding-DNA position 1498, C replaced by T.
Protein change: p.His500Tyr; replaces histidine 500 with tyrosine.
Molecular consequence: missense variant.
Genome position (GRCh38, 1-based): chr7:151,564,164, G>A on the plus strand (C>T on the coding strand, the complement: PRKAG2 is on the minus strand). VCF-style: chr7-151564164-G-A. GRCh37 (hg19) VCF-style: chr7-151261250-G-A.
Other names: c.1366C>T, p.His456Tyr (NM_001040633.2); c.1123C>T, p.His375Tyr (NM_001304527.2); c.775C>T, p.His259Tyr (NM_001304531.2, NM_024429.2); c.1126C>T, p.His376Tyr (NM_001363698.2); short protein forms H259Y, H456Y, H500Y, H375Y, H376Y.
Identifiers: ClinVar variation 665151 (VCV000665151.9), dbSNP rs1584934806, ClinGen allele CA370070611.